The following is an entry in ClinVar:

NM_001375567.1(FOCAD):c.4994C>T (p.Ala1665Val)

Gene: FOCAD (focadhesin; plus strand). Cytogenetic location: 9p21.3.
Variant type: single nucleotide variant.
Coding change: c.4994C>T on transcript NM_001375567.1 (MANE Select); coding-DNA position 4994, C replaced by T.
Protein change: p.Ala1665Val; replaces alanine 1665 with valine.
Molecular consequence: missense variant.
Genome position (GRCh38, 1-based): chr9:20,988,419, C>T. VCF-style: chr9-20988419-C-T. GRCh37 (hg19) VCF-style: chr9-20988418-C-T.
Other names: c.4889C>T, p.Ala1630Val (NM_001375568.1, NM_001375570.1); c.4994C>T, p.Ala1665Val (NM_017794.5); short protein forms A1630V, A1665V.
Identifiers: ClinVar variation 728630 (VCV000728630.8), dbSNP rs190658661, ClinGen allele CA5008139.
Genomic context (GRCh38, chr9:20,988,419, plus strand): 5'-TGGAACTGATGGGTTATATTAGAAATGTTGCTTACCAGTCAACATCCTTTCACAATACGG[C>T]TCTTGACAAGGTAAAATCTAGAGGAGTAGTTTATAGCTTCCTTAAAATACAGAACTTATA-3'
Protein context (NP_001362496.1, residues 1655-1675): AYQSTSFHNT[Ala1665Val]LDKALDFFLL

ClinVar aggregate classification (germline): Benign. Review status: criteria provided, single submitter (1 of 4 stars). 2 submissions from 2 submitters: Benign (1). 1 of the submissions does not count toward it. Last evaluated 2026-01-26.

Conditions:
FOCAD-related disorder. Also called: FOCAD-related condition.

Allele frequency attached by ClinVar (database versions not stated): gnomAD 0.00048 and 0.00063; TOPMed 0.00073; gnomAD exomes 0.00076 and 0.00144; 1000 Genomes Project 30x 0.00141; ExAC 0.00144; 1000 Genomes Project 0.00160.
gnomAD v4.1: 1,172 of 1,591,086 alleles (0.074%); highest among the groups gnomAD compares: East Asian, 2.5%; 21 homozygotes.

Submissions (2):

Labcorp Genetics (formerly Invitae), Labcorp
Classification: Benign. Last evaluated: 2026-01-26. Review status: criteria provided, single submitter. Criteria: Invitae Variant Classification Sherloc (09022015). Collection method: clinical testing. Allele origin: germline.

PreventionGenetics, part of Exact Sciences
Classification: Benign for FOCAD-related condition. Last evaluated: 2019-09-17. Review status: no assertion criteria provided. Collection method: clinical testing. Allele origin: germline. Not counted in ClinVar's aggregate classification.
Comment: This variant is classified as benign based on ACMG/AMP sequence variant interpretation guidelines (Richards et al. 2015 PMID: 25741868, with internal and published modifications).